The following is an entry in ClinVar:

NC_000017.10:g.(?_78085283)_(78092476_?)del

Gene: GAA (alpha glucosidase; plus strand). Cytogenetic location: 17q25.3.
Variant type: Deletion.
Identifiers: ClinVar variation 2422476 (VCV002422476.5).

ClinVar aggregate classification (germline): Pathogenic (1 of 4 stars; one submission).

Conditions:
Glycogen storage disease, type II (IOPD). Also called: ACID ALPHA-GLUCOSIDASE DEFICIENCY, INFANTILE-ONSET; GAA DEFICIENCY, INFANTILE-ONSET; POMPE DISEASE, INFANTILE-ONSET; GLYCOGEN STORAGE DISEASE II, INFANTILE-ONSET; Glucosidase acid-1,4-alpha deficiency; ACID MALTASE DEFICIENCY, INFANTILE-ONSET. Identifiers: Orphanet 365, MedGen C0017921, MONDO:0009290, OMIM 232300.

Submission:

Labcorp Genetics (formerly Invitae), Labcorp
Classification: Pathogenic for Glycogen storage disease, type II. Last evaluated: 2021-12-27. Review status: criteria provided, single submitter. Criteria: Invitae Variant Classification Sherloc (09022015). Collection method: clinical testing. Allele origin: germline.
Comment: For these reasons, this variant has been classified as Pathogenic. This variant disrupts a region of the GAA protein in which other variant(s) (p.Leu552Pro) have been determined to be pathogenic (PMID: 14695532, 17616415, 18607768, 19588081, 20638881, 24158270, 25681614, 27666774). This suggests that this is a clinically significant region of the protein, and that variants that disrupt it are likely to be disease-causing. ClinVar contains an entry for this variant (Variation ID: 369943). This variant has not been reported in the literature in individuals affected with GAA-related conditions. This variant results in the deletion of exons 12-18 and part of exon 19 (c.1636+460_2672del) of the GAA gene. It is expected to disrupt RNA splicing. Variants that disrupt the donor or acceptor splice site typically lead to a loss of protein function (PMID: 16199547), and loss-of-function variants in GAA are known to be pathogenic (PMID: 18425781, 22252923).

Literature cited by the submitters: PubMed 14695532; PubMed 17616415; PubMed 18607768; PubMed 19588081; PubMed 20638881; PubMed 24158270; PubMed 25681614; PubMed 27666774; PubMed 16199547; PubMed 18425781; PubMed 22252923.